The following is an entry in ClinVar:

ClinVar aggregate classification (germline): Uncertain significance (1 of 4 stars; one submission).

gnomAD v4.1: 2 of 1,548,102 alleles (0.00013%); highest among the groups gnomAD compares: East Asian, 0.0023%; no homozygotes.

Submission:

GeneDx
Classification: Uncertain significance. Last evaluated: 2019-05-06. Review status: criteria provided, single submitter. Criteria: GeneDx Variant Classification Process June 2021. Collection method: clinical testing. Allele origin: germline. Affected: yes.
Comment: Not observed in large population cohorts (Lek et al., 2016); In silico analysis, which includes protein predictors and evolutionary conservation, supports that this variant does not alter protein structure/function; Has not been previously published as pathogenic or benign to our knowledge

NM_002693.3(POLG):c.595G>A (p.Val199Met)

Genes: POLG (DNA polymerase gamma, catalytic subunit; minus strand), POLGARF (POLG alternative reading frame; minus strand). Cytogenetic location: 15q26.1.
Variant type: single nucleotide variant.
Coding change: c.595G>A on transcript NM_002693.3 (MANE Select); coding-DNA position 595, G replaced by A.
Protein change: p.Val199Met; replaces valine 199 with methionine.
Molecular consequence: missense variant.
Genome position (GRCh38, 1-based): chr15:89,333,160, C>T on the plus strand (G>A on the coding strand, the complement: POLG is on the minus strand). VCF-style: chr15-89333160-C-T. GRCh37 (hg19) VCF-style: chr15-89876391-C-T.
Other names: c.595G>A, p.Val199Met (NM_001126131.2); short protein forms V199M.
Identifiers: ClinVar variation 1305402 (VCV001305402.2), dbSNP rs780610267, ClinGen allele CA393770499.